The following is an entry in ClinVar:

NM_001077525.3(MTMR14):c.528C>T (p.Asp176=)

Gene: MTMR14 (myotubularin related protein 14; plus strand). Cytogenetic location: 3p25.3.
Variant type: single nucleotide variant.
Coding change: c.528C>T on transcript NM_001077525.3 (MANE Select); coding-DNA position 528, C replaced by T.
Protein change: p.Asp176=; no amino-acid change (aspartic acid 176 retained).
Molecular consequence: synonymous variant.
Genome position (GRCh38, 1-based): chr3:9,669,466, C>T. VCF-style: chr3-9669466-C-T. GRCh37 (hg19) VCF-style: chr3-9711150-C-T.
Other names: c.528C>T, p.Asp176= (NM_001077526.3, NM_022485.5).
Identifiers: ClinVar variation 1560062 (VCV001560062.22), dbSNP rs9837634, ClinGen allele CA2240334.

ClinVar aggregate classification (germline): Likely benign. Review status: criteria provided, multiple submitters, no conflicts (2 of 4 stars). 2 submissions from 2 submitters: Likely benign (2). Last evaluated 2025-04-01.

Allele frequency attached by ClinVar (database versions not stated): gnomAD exomes 0.00001 and 0.00004; ExAC 0.00006; ESP Exome Variant Server 0.00008; gnomAD 0.00011 and 0.00013; TOPMed 0.00016.
gnomAD v4.1: 40 of 1,613,630 alleles (0.0025%); highest among the groups gnomAD compares: African/African-American, 0.033%; no homozygotes.

Submissions (2):

Labcorp Genetics (formerly Invitae), Labcorp
Classification: Likely benign. Last evaluated: 2025-04-01. Review status: criteria provided, single submitter. Criteria: Invitae Variant Classification Sherloc (09022015). Collection method: clinical testing. Allele origin: germline.

CeGaT Center for Human Genetics Tuebingen
Classification: Likely benign. Last evaluated: 2024-11-01. Review status: criteria provided, single submitter. Criteria: CeGaT Center For Human Genetics Tuebingen Variant Classification Criteria Version 2. Collection method: clinical testing. Allele origin: germline. Affected: yes. Observed: 1 variant allele.
Comment: MTMR14: BP4, BP7